The following is an entry in ClinVar:

ClinVar aggregate classification (germline): Uncertain significance (1 of 4 stars; one submission).

Allele frequency attached by ClinVar (database versions not stated): gnomAD 0.00002; TOPMed 0.00004; 1000 Genomes Project 0.00020; 1000 Genomes Project 30x 0.00031.
gnomAD v4.1: 23 of 1,613,868 alleles (0.0014%); highest among the groups gnomAD compares: Admixed American, 0.03%; no homozygotes.

Submission:

Labcorp Genetics (formerly Invitae), Labcorp
Classification: Uncertain significance. Last evaluated: 2023-08-10. Review status: criteria provided, single submitter. Criteria: Invitae Variant Classification Sherloc (09022015). Collection method: clinical testing. Allele origin: germline.
Comment: This sequence change replaces asparagine, which is neutral and polar, with serine, which is neutral and polar, at codon 43 of the FGF14 protein (p.Asn43Ser). This variant is present in population databases (rs201133203, gnomAD 0.05%), and has an allele count higher than expected for a pathogenic variant. This variant has not been reported in the literature in individuals affected with FGF14-related conditions. ClinVar contains an entry for this variant (Variation ID: 2189986). An algorithm developed to predict the effect of missense changes on protein structure and function (PolyPhen-2) suggests that this variant is likely to be tolerated. In summary, the available evidence is currently insufficient to determine the role of this variant in disease. Therefore, it has been classified as a Variant of Uncertain Significance.

NM_004115.4(FGF14):c.128A>G (p.Asn43Ser)

Gene: FGF14 (fibroblast growth factor 14; minus strand). Cytogenetic location: 13q33.1.
Variant type: single nucleotide variant.
Coding change: c.128A>G on transcript NM_004115.4 (MANE Select); coding-DNA position 128, A replaced by G.
Protein change: p.Asn43Ser; replaces asparagine 43 with serine.
Molecular consequence: missense variant. On other transcripts: intron variant (21).
Genome position (GRCh38, 1-based): chr13:101,916,518, T>C on the plus strand (A>G on the coding strand, the complement: FGF14 is on the minus strand). VCF-style: chr13-101916518-T-C. GRCh37 (hg19) VCF-style: chr13-102568868-T-C.
Other names: c.53-41222A>G (NM_001321947.2); c.92-41222A>G (NM_001379342.1, NM_001321948.2, NM_001321945.2); c.-59-41222A>G (NM_001321946.2, NM_001321949.1, NM_001321943.1 and 4 more transcripts); c.14-41222A>G (NM_001321938.2, NM_001321940.1, NM_001321933.1); c.209-47690A>G (NM_001321939.2); c.209-41222A>G (NM_175929.3, NM_001321937.2); c.8-41222A>G (NM_001321941.2); c.5-41222A>G (NM_001321944.1, NM_001321936.1, NM_001321932.1); short protein forms N43S.
Identifiers: ClinVar variation 2189986 (VCV002189986.4), dbSNP rs201133203, ClinGen allele CA7037272.